The following is an entry in ClinVar:

NM_000431.4(MVK):c.863C>T (p.Pro288Leu)

Gene: MVK (mevalonate kinase; plus strand). Cytogenetic location: 12q24.11.
Variant type: single nucleotide variant.
Coding change: c.863C>T on transcript NM_000431.4 (MANE Select); coding-DNA position 863, C replaced by T.
Protein change: p.Pro288Leu; replaces proline 288 with leucine.
Molecular consequence: missense variant.
Genome position (GRCh38, 1-based): chr12:109,591,335, C>T. VCF-style: chr12-109591335-C-T. GRCh37 (hg19) VCF-style: chr12-110029140-C-T.
Other names: c.863C>T, p.Pro288Leu (NM_001114185.3); c.707C>T, p.Pro236Leu (NM_001301182.2); short protein forms P288L, P236L.
Identifiers: ClinVar variation 97634 (VCV000097634.14), dbSNP rs104895355, ClinGen allele CA149921.

ClinVar aggregate classification (germline): Uncertain significance. Review status: criteria provided, multiple submitters, no conflicts (2 of 4 stars). 7 submissions from 7 submitters: Uncertain significance (6). 1 of the submissions does not count toward it. Last evaluated 2025-01-21.

Conditions:
Mevalonic aciduria (MEVA). Identifiers: Orphanet 29, MedGen C1959626, MONDO:0012481, OMIM 610377.
Porokeratosis 3, disseminated superficial actinic type (POROK3). Also called: POROKERATOSIS 3, MULTIPLE TYPES; POROKERATOSIS 3, MIBELLI TYPE; POROKERATOSIS, DISSEMINATED SUPERFICIAL ACTINIC, 1. Identifiers: MedGen C1867981, MONDO:0008293, OMIM 175900.
Hyperimmunoglobulin D with periodic fever (HIDS). Also called: HYPERIMMUNOGLOBULINEMIA D AND PERIODIC FEVER SYNDROME; Hyperimmunoglobulinemia D; Hyperimmunoglobulinemia D with periodic fever. Identifiers: Orphanet 343, MedGen C0398691, MONDO:0009849, OMIM 260920.

Allele frequency attached by ClinVar (database versions not stated): TOPMed 0.00002; gnomAD 0.00004; gnomAD exomes 0.00004 and 0.00006; ExAC 0.00005; ESP Exome Variant Server 0.00015.
gnomAD v4.1: 70 of 1,614,054 alleles (0.0043%); highest among the groups gnomAD compares: Non-Finnish European, 0.0051%; no homozygotes.

Submissions (7):

3billion
Classification: Uncertain significance for Hyperimmunoglobulin D with periodic fever. Last evaluated: 2025-01-21. Review status: criteria provided, single submitter. Criteria: ACMG Guidelines, 2015. Collection method: clinical testing. Allele origin: germline. Affected: yes.
Comment: The variant is observed at an extremely low frequency in the gnomAD v4.1.0 dataset (total allele frequency: 0.004%). Predicted Consequence/Location: Missense variant Damaging effect on gene or gene product predicted by in silico programs is uncertain [REVEL: 0.52 (damaging >=0.6, benign <0.4), 3Cnet: 0.44 (damaging >=0.6, benign <0.15)]. The variant has been reported as of uncertain significance (ClinVar ID: VCV000097634). Therefore, this variant is classified as VUS according to the recommendation of ACMG/AMP guideline.

Women's Health and Genetics/Laboratory Corporation of America, LabCorp
Classification: Uncertain significance. Last evaluated: 2024-10-04. Review status: criteria provided, single submitter. Criteria: LabCorp Variant Classification Summary - May 2015. Collection method: clinical testing. Allele origin: germline.
Comment: Variant summary: MVK c.863C>T (p.Pro288Leu) results in a non-conservative amino acid change in the encoded protein sequence. Four of five in-silico tools predict a benign effect of the variant on protein function. The variant allele was found at a frequency of 5.6e-05 in 251386 control chromosomes. This frequency is not significantly higher than estimated for a pathogenic variant in MVK causing Hyper-IgD syndrome (5.6e-05 vs 0.0056), allowing no conclusion about variant significance. c.863C>T has been reported in the literature in individuals affected with Hyper-IgD syndrome without strong evdidence of causality (e.g. Li_2024). This report does not provide unequivocal conclusions about association of the variant with Hyper-IgD syndrome. To our knowledge, no experimental evidence demonstrating an impact on protein function has been reported. The following publication has been ascertained in the context of this evaluation (PMID: 38983106). ClinVar contains an entry for this variant (Variation ID: 97634). Based on the evidence outlined above, the variant was classified as uncertain significance.

Fulgent Genetics
Classification: Uncertain significance for Porokeratosis 3, disseminated superficial actinic type; Hyperimmunoglobulin D with periodic fever; Mevalonic aciduria. Last evaluated: 2024-06-05. Review status: criteria provided, single submitter. Criteria: ACMG Guidelines, 2015. Collection method: clinical testing. Allele origin: germline.

GeneDx
Classification: Uncertain significance. Last evaluated: 2023-11-22. Review status: criteria provided, single submitter. Criteria: GeneDx Variant Classification Process June 2021. Collection method: clinical testing. Allele origin: germline. Affected: yes.
Comment: Reported in association with Hyper-IgD syndrome, however, no patient information is available (PMID: 29062244); In silico analysis supports that this missense variant does not alter protein structure/function; This variant is associated with the following publications: (PMID: 34426522, 30936962, 29062244)

Neuberg Centre For Genomic Medicine, NCGM
Classification: Uncertain significance for Mevalonic aciduria. Last evaluated: 2023-02-14. Review status: criteria provided, single submitter. Criteria: ACMG Guidelines, 2015. Collection method: clinical testing. Allele origin: germline. Inheritance: Autosomal recessive inheritance. Affected: yes.
Comment: The missense c.863C>T (p.Pro288Leu) variant in MVK gene has not been reported previously as a pathogenic variant nor as a benign variant, to our knowledge. The p.Pro288Leu variant is reported with an allele frequency of 0.006% in the gnomAD exomes database and is novel (not in any individuals) in 1000 Genomes database. This variant has been reported to the ClinVar database as Uncertain Significance (multiple submissions). The amino acid change p.Pro288Leu in MVK is predicted as conserved by GERP++. The amino acid Pro at position 288 is changed to a Leu changing protein sequence and it might alter its composition and physico-chemical properties. For these reasons, this variant has been classified as a Variant of Uncertain Significance (VUS).

Labcorp Genetics (formerly Invitae), Labcorp
Classification: Uncertain significance for Mevalonic aciduria; Hyperimmunoglobulin D with periodic fever; Porokeratosis 3, disseminated superficial actinic type. Last evaluated: 2022-07-25. Review status: criteria provided, single submitter. Criteria: Invitae Variant Classification Sherloc (09022015). Collection method: clinical testing. Allele origin: germline.
Comment: This sequence change replaces proline, which is neutral and non-polar, with leucine, which is neutral and non-polar, at codon 288 of the MVK protein (p.Pro288Leu). This variant is present in population databases (rs104895355, gnomAD 0.01%). This variant has not been reported in the literature in individuals affected with MVK-related conditions. ClinVar contains an entry for this variant (Variation ID: 97634). Advanced modeling of protein sequence and biophysical properties (such as structural, functional, and spatial information, amino acid conservation, physicochemical variation, residue mobility, and thermodynamic stability) performed at Invitae indicates that this missense variant is not expected to disrupt MVK protein function. In summary, the available evidence is currently insufficient to determine the role of this variant in disease. Therefore, it has been classified as a Variant of Uncertain Significance.

Unité médicale des maladies autoinflammatoires, CHRU Montpellier
No classification provided. Condition: Hyperimmunoglobulin D with periodic fever. Review status: no classification provided. Collection method: not provided. Allele origin: unknown. Not counted in ClinVar's aggregate classification.
Comment: also involved in OMIM 25117

Literature cited by the submitters: PubMed 38983106 (cited by Women's Health and Genetics/Laboratory Corporation of America, LabCorp).